The following is an entry in ClinVar:

NM_012431.3(SEMA3E):c.1955A>G (p.Tyr652Cys)

Gene: SEMA3E (semaphorin 3E; minus strand). Cytogenetic location: 7q21.11.
Variant type: single nucleotide variant.
Coding change: c.1955A>G on transcript NM_012431.3 (MANE Select); coding-DNA position 1955, A replaced by G.
Protein change: p.Tyr652Cys; replaces tyrosine 652 with cysteine.
Molecular consequence: missense variant.
Genome position (GRCh38, 1-based): chr7:83,367,959, T>C on the plus strand (A>G on the coding strand, the complement: SEMA3E is on the minus strand). VCF-style: chr7-83367959-T-C. GRCh37 (hg19) VCF-style: chr7-82997275-T-C.
Other names: c.1775A>G, p.Tyr592Cys (NM_001178129.2); short protein forms Y592C, Y652C.
Identifiers: ClinVar variation 1318741 (VCV001318741.5), dbSNP rs1245933531, ClinGen allele CA367914428.
Genomic context (GRCh38, chr7:83,367,959, plus strand): 5'-ACCTCCAAGGTGATTTTACGGACCGTATGGACAAAGCTATGCTCTACTGTCTGGCAAAAA[T>C]AGGTCCCAGCATCTGATTTGTGTAACCTTAGGAAGAGTAAACCAAGGTCCATCTTAACCA-3'
Protein context (NP_036563.1, residues 642-662): LRLHKSDAGT[Tyr652Cys]FCQTVEHSFV

ClinVar aggregate classification (germline): Uncertain significance. Review status: criteria provided, multiple submitters, no conflicts (2 of 4 stars). 3 submissions from 3 submitters: Uncertain significance (3). Last evaluated 2025-09-16.

Conditions:
SEMA3E-related disorder. Also called: SEMA3E-related condition.

Allele frequency attached by ClinVar (database versions not stated): TOPMed 0.00001.

Submissions (3):

PreventionGenetics, part of Exact Sciences
Classification: Uncertain significance for SEMA3E-related condition. Last evaluated: 2025-09-16. Review status: criteria provided, single submitter. Criteria: ACMG Guidelines, 2015. Collection method: clinical testing. Allele origin: germline.
Comment: The SEMA3E c.1955A>G variant is predicted to result in the amino acid substitution p.Tyr652Cys. To our knowledge, this variant has not been reported in the literature or in gnomAD, indicating this variant is rare. At this time, the clinical significance of this variant is uncertain due to the absence of conclusive functional and genetic evidence.

Ambry Genetics
Classification: Uncertain significance. Last evaluated: 2025-09-01. Review status: criteria provided, single submitter. Criteria: Ambry Variant Classification Scheme 2023. Collection method: clinical testing. Allele origin: germline.

GeneDx
Classification: Uncertain significance. Last evaluated: 2022-02-18. Review status: criteria provided, single submitter. Criteria: GeneDx Variant Classification Process June 2021. Collection method: clinical testing. Allele origin: germline. Affected: yes.
Comment: Not observed in large population cohorts (gnomAD); In silico analysis supports that this missense variant has a deleterious effect on protein structure/function; Has not been previously published as pathogenic or benign to our knowledge